The following is an entry in ClinVar:

ClinVar aggregate classification (germline): Uncertain significance (1 of 4 stars; one submission).

Conditions:
EPILEPSY, CHILDHOOD ABSENCE, SUSCEPTIBILITY TO, 2 (ECA2). Identifiers: Orphanet 64280, MedGen C1843244, OMIM 607681.
Febrile seizures, familial, 8 (FEB8). Also called: CONVULSIONS, FAMILIAL FEBRILE, 8. Identifiers: Orphanet 36387, MedGen C1969810, MONDO:0011891, OMIM 607681.

Allele frequency attached by ClinVar (database versions not stated): gnomAD exomes below 0.00001.
gnomAD v4.1: 6 of 1,613,892 alleles (0.00037%); highest among the groups gnomAD compares: Non-Finnish European, 0.00051%; no homozygotes.

Submission:

Labcorp Genetics (formerly Invitae), Labcorp
Classification: Uncertain significance for Febrile seizures, familial, 8; EPILEPSY, CHILDHOOD ABSENCE, SUSCEPTIBILITY TO, 2. Last evaluated: 2023-08-11. Review status: criteria provided, single submitter. Criteria: Invitae Variant Classification Sherloc (09022015). Collection method: clinical testing. Allele origin: germline.
Comment: This sequence change falls in intron 8 of the GABRG2 gene. It does not directly change the encoded amino acid sequence of the GABRG2 protein. This variant is not present in population databases (gnomAD no frequency). This variant has not been reported in the literature in individuals affected with GABRG2-related conditions. Algorithms developed to predict the effect of sequence changes on RNA splicing suggest that this variant may create or strengthen a splice site. In summary, the available evidence is currently insufficient to determine the role of this variant in disease. Therefore, it has been classified as a Variant of Uncertain Significance.

NM_198904.4(GABRG2):c.1153-15C>G

Gene: GABRG2 (gamma-aminobutyric acid type A receptor subunit gamma2; plus strand). Cytogenetic location: 5q34.
Variant type: single nucleotide variant.
Coding change: c.1153-15C>G on transcript NM_198904.4 (MANE Select); 15 bases into the intron before coding-DNA position 1153, C replaced by G.
Molecular consequence: intron variant.
Genome position (GRCh38, 1-based): chr5:162,153,078, C>G. VCF-style: chr5-162153078-C-G. GRCh37 (hg19) VCF-style: chr5-161580084-C-G.
Other names: c.844-15C>G (NM_001375349.1); c.1249-15C>G (NM_001375343.1); c.1192-15C>G (NM_001375344.1); c.947-15C>G (NM_001375340.1); c.1150-15C>G (NM_001375341.1); c.1126-15C>G (NM_001375342.1); c.733-15C>G (NM_001375350.1); c.709-15C>G (NM_001375348.1); and 6 more.
Identifiers: ClinVar variation 2929809 (VCV002929809.3), dbSNP rs764389038, ClinGen allele CA131117671.